The following is an entry in ClinVar:

NM_001414.4(EIF2B1):c.252C>T (p.Ser84=)

Gene: EIF2B1 (eukaryotic translation initiation factor 2B subunit alpha; minus strand). Cytogenetic location: 12q24.31.
Variant type: single nucleotide variant.
Coding change: c.252C>T on transcript NM_001414.4 (MANE Select); coding-DNA position 252, C replaced by T.
Protein change: p.Ser84=; no amino-acid change (serine 84 retained).
Molecular consequence: synonymous variant.
Genome position (GRCh38, 1-based): chr12:123,630,397, G>A on the plus strand (C>T on the coding strand, the complement: EIF2B1 is on the minus strand). VCF-style: chr12-123630397-G-A. GRCh37 (hg19) VCF-style: chr12-124114944-G-A.
Identifiers: ClinVar variation 593688 (VCV000593688.8), dbSNP rs138110703, ClinGen allele CA6860203.

ClinVar aggregate classification (germline): Uncertain significance. Review status: criteria provided, multiple submitters, no conflicts (2 of 4 stars). 2 submissions from 2 submitters: Uncertain significance (2). Last evaluated 2022-02-01.

Allele frequency attached by ClinVar (database versions not stated): gnomAD exomes 0.00001 and 0.00004; ExAC 0.00007; TOPMed 0.00011; gnomAD 0.00012 and 0.00013; ESP Exome Variant Server 0.00023; 1000 Genomes Project 0.00040; 1000 Genomes Project 30x 0.00047.
gnomAD v4.1: 37 of 1,614,150 alleles (0.0023%); highest among the groups gnomAD compares: African/African-American, 0.041%; no homozygotes.

Submissions (2):

Labcorp Genetics (formerly Invitae), Labcorp
Classification: Uncertain significance. Last evaluated: 2022-02-01. Review status: criteria provided, single submitter. Criteria: Invitae Variant Classification Sherloc (09022015). Collection method: clinical testing. Allele origin: germline.
Comment: This sequence change affects codon 84 of the EIF2B1 mRNA. It is a 'silent' change, meaning that it does not change the encoded amino acid sequence of the EIF2B1 protein. It affects a nucleotide within the consensus splice site. This variant is present in population databases (rs138110703, gnomAD 0.04%). This variant has not been reported in the literature in individuals affected with EIF2B1-related conditions. ClinVar contains an entry for this variant (Variation ID: 593688). Algorithms developed to predict the effect of sequence changes on RNA splicing suggest that this variant may disrupt the consensus splice site. In summary, the available evidence is currently insufficient to determine the role of this variant in disease. Therefore, it has been classified as a Variant of Uncertain Significance.

Eurofins Ntd Llc (ga)
Classification: Uncertain significance. Last evaluated: 2017-08-14. Review status: criteria provided, single submitter. Criteria: EGL Classification Definitions 2015. Collection method: clinical testing. Allele origin: germline. Observed: 1 variant allele, 1 heterozygote.